The following is an entry in ClinVar:

NM_001288705.3(CSF1R):c.556G>A (p.Val186Met)

Gene: CSF1R (colony stimulating factor 1 receptor; minus strand). Cytogenetic location: 5q32.
Variant type: single nucleotide variant.
Coding change: c.556G>A on transcript NM_001288705.3 (MANE Select); coding-DNA position 556, G replaced by A.
Protein change: p.Val186Met; replaces valine 186 with methionine.
Molecular consequence: missense variant. On other transcripts: non-coding transcript variant (2).
Genome position (GRCh38, 1-based): chr5:150,080,088, C>T on the plus strand (G>A on the coding strand, the complement: CSF1R is on the minus strand). VCF-style: chr5-150080088-C-T. GRCh37 (hg19) VCF-style: chr5-149459651-C-T.
Other names: c.556G>A, p.Val186Met (NM_001349736.2, NM_001375320.1, NM_005211.4); c.112G>A, p.Val38Met (NM_001375321.1); short protein forms V186M, V38M.
Identifiers: ClinVar variation 4760073 (VCV004760073.1).

ClinVar aggregate classification (germline): Uncertain significance (1 of 4 stars; one submission).

gnomAD v4.1: 2 of 1,614,172 alleles (0.00012%); highest among the groups gnomAD compares: Non-Finnish European, 0.00017%; no homozygotes.

Submission:

Labcorp Genetics (formerly Invitae), Labcorp
Classification: Uncertain significance. Last evaluated: 2025-10-08. Review status: criteria provided, single submitter. Criteria: Invitae Variant Classification Sherloc (09022015). Collection method: clinical testing. Allele origin: germline.
Comment: This sequence change replaces valine, which is neutral and non-polar, with methionine, which is neutral and non-polar, at codon 186 of the CSF1R protein (p.Val186Met). This variant is not present in population databases (gnomAD no frequency). This variant has not been reported in the literature in individuals affected with CSF1R-related conditions. Invitae Evidence Modeling of protein sequence and biophysical properties (such as structural, functional, and spatial information, amino acid conservation, physicochemical variation, residue mobility, and thermodynamic stability) indicates that this missense variant is not expected to disrupt CSF1R protein function with a negative predictive value of 95%. In summary, the available evidence is currently insufficient to determine the role of this variant in disease. Therefore, it has been classified as a Variant of Uncertain Significance.